The following is an entry in ClinVar:

ClinVar aggregate classification (germline): Conflicting classifications of pathogenicity. Review status: criteria provided, conflicting classifications (1 of 4 stars). 31 submissions from 31 submitters: Uncertain significance (1); Benign (8); Likely benign (12). 10 of the submissions do not count toward it. Last evaluated 2026-08-01.

Conditions:
APC-Associated Polyposis Disorders.
Hereditary cancer. Identifiers: MedGen C1333600.
Classic or attenuated familial adenomatous polyposis. Identifiers: MedGen CN372698, MONDO:0021057.
Hereditary cancer-predisposing syndrome. Also called: Neoplastic Syndromes, Hereditary; Hereditary neoplastic syndrome; Hereditary Cancer Syndrome; Tumor predisposition. Identifiers: Orphanet 140162, MedGen C0027672, MeSH D009386, MONDO:0015356.
Familial adenomatous polyposis 1 (FAP1). Also called: FAMILIAL ADENOMATOUS POLYPOSIS 1, ATTENUATED; POLYPOSIS, ADENOMATOUS INTESTINAL. Identifiers: MedGen C2713442, MONDO:0021056, OMIM 175100. Disease mechanism: loss of function.

Allele frequency attached by ClinVar (database versions not stated): 1000 Genomes Project 0.00040; TOPMed 0.00043; gnomAD 0.00056 and 0.00057; gnomAD exomes 0.00060 and 0.00105; ExAC 0.00048; 1000 Genomes Project 30x 0.00031; ESP Exome Variant Server 0.00085.

Submissions 1 to 16 of 31:

CeGaT Center for Human Genetics Tuebingen
Classification: Likely benign. Last evaluated: 2026-08-01. Review status: criteria provided, single submitter. Criteria: CeGaT Center For Human Genetics Tuebingen Variant Classification Criteria Version 2. Collection method: clinical testing. Allele origin: germline. Affected: yes. Observed: 3 variant alleles.
Comment: APC: BS1

Labcorp Genetics (formerly Invitae), Labcorp
Classification: Benign for Familial adenomatous polyposis 1. Last evaluated: 2026-02-03. Review status: criteria provided, single submitter. Criteria: Invitae Variant Classification Sherloc (09022015). Collection method: clinical testing. Allele origin: germline.

Quest Diagnostics Nichols Institute San Juan Capistrano
Classification: Benign. Last evaluated: 2025-10-23. Review status: criteria provided, single submitter. Criteria: Quest Diagnostics criteria. Collection method: clinical testing. Allele origin: unknown.

Molecular Diagnostics Laboratory, Catalan Institute of Oncology
Classification: Benign for Hereditary cancer-predisposing syndrome. Last evaluated: 2025-06-15. Review status: criteria provided, single submitter. Criteria: ClinGen ACMG Specifications APC V1.0.0. Collection method: clinical testing. Allele origin: germline.
Comment: BA1 c.3173A>G, located in exon 15 of the APC gene, is predicted to result in the substitution of Aspartic Acid by Glycine at codon 1058, p.(Asp1058Gly). The variant allele was found in 1361/1180036 alleles, with a filtering allele frequency of 0.11024% at 95% confidence, within the European (non-Finnish) population in the gnomAD v4.1.0 database (BA1). Additional information has not been evaluated for this variant. Based on the currently available information, c.3173A>G is classified a benign variant according to ClinGen-APC Guidelines version 1 guidelines.

Center for Genomic Medicine, Rigshospitalet, Copenhagen University Hospital
Classification: Likely benign. Last evaluated: 2025-03-04. Review status: criteria provided, single submitter. Criteria: ACMG Guidelines, 2015. Collection method: clinical testing. Allele origin: germline.

Institute for Biomarker Research, Medical Diagnostic Laboratories, L.L.C.
Classification: Benign for Hereditary cancer-predisposing syndrome. Last evaluated: 2024-12-16. Review status: criteria provided, single submitter. Criteria: ACMG Guidelines, 2015. Collection method: clinical testing. Allele origin: germline.
Comment: The missense variant NM_000038.6(APC):c.3173A>G (p.Asp1058Gly) has not been reported previously as a pathogenic variant, to our knowledge. . The p.Asp1058Gly variant is observed in 28/21,638 (0.1294%) alleles from individuals of gnomAD European Finnish background in gnomAD, which is greater than expected for the disorder. There is a moderate physicochemical difference between aspartic acid and glycine. The p.Asp1058Gly missense variant is predicted to be damaging by both SIFT and PolyPhen2. The nucleotide c.3173 in APC is predicted conserved by GERP++ and PhyloP across 100 vertebrates. For these reasons, this variant has been classified as Benign.

Mayo Clinic Laboratories, Mayo Clinic
Classification: Likely benign. Last evaluated: 2024-11-27. Review status: criteria provided, single submitter. Criteria: ACMG Guidelines, 2015. Collection method: clinical testing. Allele origin: germline. Observed: 2 variant alleles.
Comment: BS1, BP2

Blueprint Genetics
Classification: Likely benign. Last evaluated: 2024-10-30. Review status: criteria provided, single submitter. Criteria: ACMG Guidelines, 2015. Collection method: clinical testing. Allele origin: germline.

All of Us Research Program, National Institutes of Health
Classification: Likely benign for Classic or attenuated familial adenomatous polyposis. Last evaluated: 2024-09-23. Review status: criteria provided, single submitter. Criteria: ACMG Guidelines, 2015. Collection method: clinical testing. Allele origin: germline. Inheritance: Autosomal dominant inheritance. Observed: 223 variant alleles, 223 heterozygotes.
Comment: This study involves interpretation of variants in research participants for the purpose of population health screening. Participant phenotype was not available at the time of variant classification. Additional details can be found in publication PMID: 35346344, PMCID: PMC8962531

ARUP Laboratories, Molecular Genetics and Genomics, ARUP Laboratories
Classification: Likely benign. Last evaluated: 2024-08-19. Review status: criteria provided, single submitter. Criteria: ARUP Molecular Germline Variant Investigation Process 2024. Collection method: clinical testing. Allele origin: germline.

Mendelics
Classification: Likely benign for Hereditary cancer. Last evaluated: 2024-01-23. Review status: criteria provided, single submitter. Criteria: ACMG Guidelines, 2015. Collection method: clinical testing. Allele origin: unknown.

Myriad Genetics, Inc.
Classification: Benign for Familial adenomatous polyposis 1. Last evaluated: 2023-02-22. Review status: criteria provided, single submitter. Criteria: Myriad Autosomal Dominant, Autosomal Recessive and X-Linked Classification Criteria (2023). Collection method: clinical testing. Allele origin: unknown.
Comment: This variant is considered benign. This variant has been observed in conjunction with multiple pathogenic variants, reducing the likelihood this variant itself is pathogenic. This variant is strongly associated with less severe personal and family histories of cancer, typical for individuals without pathogenic variants in this gene [PMID: 25085752].

Women's Health and Genetics/Laboratory Corporation of America, LabCorp
Classification: Benign. Last evaluated: 2021-11-08. Review status: criteria provided, single submitter. Criteria: LabCorp Variant Classification Summary - May 2015. Collection method: clinical testing. Allele origin: germline.
Comment: Variant summary: APC c.3173A>G (p.Asp1058Gly) results in a non-conservative amino acid change located in the Adenomatous polyposis coli (APC) family (IPR026818) of the encoded protein sequence. Four of five in-silico tools predict a damaging effect of the variant on protein function. The variant allele was found at a frequency of 0.0006 in 250576 control chromosomes, predominantly at a frequency of 0.00074 within the Non-Finnish European subpopulation in the gnomAD database. The observed variant frequency within Non-Finnish European control individuals in the gnomAD database is approximately 10 fold of the estimated maximal expected allele frequency for a pathogenic variant in APC causing Familial Adenomatous Polyposis phenotype (7.1e-05), strongly suggesting that the variant is a benign polymorphism found primarily in populations of Non-Finnish European origin. c.3173A>G has been reported in the literature in individuals affected with Familial Adenomatous Polyposis, colorectal cancer, as well as unaffected individuals, without strong evidence for causality (e.g. Kerr_2013, Out_2015, Ghatak_2017, Johnston_2012). These reports do not provide unequivocal conclusions about association of the variant with Familial Adenomatous Polyposis. Co-occurrences with other pathogenic variants has been reported (APC c.2016_2017delTA, p.His672GlnfsX7, UMD; unspecified variants, Kerr_2013), providing supporting evidence for a benign role. Eleven clinical diagnostic laboratories have submitted clinical-significance assessments for this variant to ClinVar after 2014 and classified the variant as likely benign (n=6), variant of uncertain significance (n=3) and benign (n=2). Based on the evidence outlined above, the variant was classified as benign.

St. Jude Molecular Pathology, St. Jude Children's Research Hospital
Classification: Likely benign for Familial adenomatous polyposis 1. Last evaluated: 2021-08-05. Review status: criteria provided, single submitter. Criteria: St. Jude Assertion Criteria 2020. Collection method: clinical testing. Allele origin: germline.
Comment: The APC c.3173A>G (p.Asp1058Gly) missense change has a maximum non-founder subpopulation frequency of 0.072% in gnomAD v2.1.1. This is higher than the reported incidence of APC-related familial adenomatous polyposis (BS1). In silico tools are not in agreement about the effect of this variant on protein function, but to our knowledge these predictions have not been confirmed by functional assays. This variant has been reported in non-cancer control subjects and individuals without a phenotype suggestive of APC-related familial adenomatous polyposis (PMID: 30267214, internal data). This variant has been reported to co-occur with known pathogenic variants in APC (BP2; PMID: 23159591, UMD database). In summary, this variant meets criteria to be classified as likely benign based on the ACMG/AMP criteria: BS1, BP2.

Sema4
Classification: Benign for Hereditary cancer-predisposing syndrome. Last evaluated: 2020-10-18. Review status: criteria provided, single submitter. Criteria: Sema4 Curation Guidelines. Collection method: curation. Allele origin: germline.

Baylor Genetics
Classification: Uncertain significance for Familial adenomatous polyposis 1. Last evaluated: 2018-02-16. Review status: criteria provided, single submitter. Criteria: ACMG Guidelines, 2015. Collection method: clinical testing. Allele origin: unknown. Affected: yes.
Comment: This variant was determined to be of uncertain significance according to ACMG Guidelines, 2015 [PMID:25741868].

NM_000038.6(APC):c.3173A>G (p.Asp1058Gly)

Gene: APC (APC regulator of Wnt signaling pathway; plus strand). Cytogenetic location: 5q22.2.
Variant type: single nucleotide variant.
Coding change: c.3173A>G on transcript NM_000038.6 (MANE Select); coding-DNA position 3173, A replaced by G.
Protein change: p.Asp1058Gly; replaces aspartic acid 1058 with glycine.
Molecular consequence: missense variant.
Genome position (GRCh38, 1-based): chr5:112,838,767, A>G. VCF-style: chr5-112838767-A-G. GRCh37 (hg19) VCF-style: chr5-112174464-A-G.
Other names: p.D1058G:GAT>GGT; c.3173A>G, p.Asp1058Gly (NM_001127510.3, NM_001354895.2); c.3119A>G, p.Asp1040Gly (NM_001127511.3); c.3227A>G, p.Asp1076Gly (NM_001354896.2); c.3203A>G, p.Asp1068Gly (NM_001354897.2); c.3098A>G, p.Asp1033Gly (NM_001354898.2); c.3089A>G, p.Asp1030Gly (NM_001354899.2); c.3050A>G, p.Asp1017Gly (NM_001354900.2); and 6 more; short protein forms D1058G, D1040G, D1017G, D932G, D1033G, D775G, D898G, D999G.
Identifiers: ClinVar variation 41523 (VCV000041523.87), dbSNP rs148725540, ClinGen allele CA008117.